The following is an entry in ClinVar:

ClinVar aggregate classification (germline): Uncertain significance (1 of 4 stars; one submission).

Allele frequency attached by ClinVar (database versions not stated): ESP Exome Variant Server 0.00023.
gnomAD v4.1: 30 of 1,613,984 alleles (0.0019%); highest among the groups gnomAD compares: African/African-American, 0.04%; no homozygotes.

Submission:

Mayo Clinic Laboratories, Mayo Clinic
Classification: Uncertain significance. Last evaluated: 2023-06-08. Review status: criteria provided, single submitter. Criteria: ACMG Guidelines, 2015. Collection method: clinical testing. Allele origin: germline. Observed: 1 variant allele.
Comment: PM2

NM_005689.4(ABCB6):c.1979C>T (p.Ala660Val)

Gene: ABCB6 (ATP binding cassette subfamily B member 6 (LAN blood group); minus strand). Cytogenetic location: 2q35.
Variant type: single nucleotide variant.
Coding change: c.1979C>T on transcript NM_005689.4 (MANE Select); coding-DNA position 1979, C replaced by T.
Protein change: p.Ala660Val; replaces alanine 660 with valine.
Molecular consequence: missense variant.
Genome position (GRCh38, 1-based): chr2:219,211,098, G>A on the plus strand (C>T on the coding strand, the complement: ABCB6 is on the minus strand). VCF-style: chr2-219211098-G-A. GRCh37 (hg19) VCF-style: chr2-220075820-G-A.
Other names: p.Ala660Val; c.1841C>T, p.Ala614Val (NM_001349828.2); short protein forms A614V, A660V.
Identifiers: ClinVar variation 2682812 (VCV002682812.1), dbSNP rs140239756, ClinGen allele CA2119107.
Genomic context (GRCh38, chr2:219,211,098, plus strand): 5'-ATGGTGTCATTAAAGAGGACAGTGTCTTGGGGCACAACTCCAATGTGAGACCGGAGAGAG[G>A]CCTGGGTCACCTAGGGCCAAAAGACCACACACTCTGCCTTATGAGATACCCCCAAGGCCT-3'
Protein context (NP_005680.1, residues 650-670): DGQDISQVTQ[Ala660Val]SLRSHIGVVP